The following is an entry in ClinVar:

ClinVar aggregate classification (germline): Uncertain significance (1 of 4 stars; one submission).

Submission:

GeneDx
Classification: Uncertain significance. Last evaluated: 2022-02-18. Review status: criteria provided, single submitter. Criteria: GeneDx Variant Classification Process June 2021. Collection method: clinical testing. Allele origin: germline. Affected: yes.
Comment: Not observed at significant frequency in large population cohorts (gnomAD); In silico analysis supports that this missense variant does not alter protein structure/function; Has not been previously published as pathogenic or benign to our knowledge.

NM_001270.4(CHD1):c.4298G>A (p.Arg1433Lys)

Gene: CHD1 (chromodomain helicase DNA binding protein 1; minus strand). Cytogenetic location: 5q15.
Variant type: single nucleotide variant.
Coding change: c.4298G>A on transcript NM_001270.4 (MANE Select); coding-DNA position 4298, G replaced by A.
Protein change: p.Arg1433Lys; replaces arginine 1433 with lysine.
Molecular consequence: missense variant. On other transcripts: non-coding transcript variant (1).
Genome position (GRCh38, 1-based): chr5:98,863,537, C>T on the plus strand (G>A on the coding strand, the complement: CHD1 is on the minus strand). VCF-style: chr5-98863537-C-T. GRCh37 (hg19) VCF-style: chr5-98199241-C-T.
Other names: c.4562G>A, p.Arg1521Lys (NM_001364113.3); c.4298G>A, p.Arg1433Lys (NM_001376194.2); short protein forms R1433K, R1521K.
Identifiers: ClinVar variation 1702800 (VCV001702800.2), dbSNP rs2112465274, ClinGen allele CA360519496.